The following is an entry in ClinVar:

ClinVar aggregate classification (germline): Uncertain significance (1 of 4 stars; one submission).

Conditions:
Hereditary cancer-predisposing syndrome. Also called: Neoplastic Syndromes, Hereditary; Tumor predisposition; Hereditary Cancer Syndrome; Hereditary neoplastic syndrome. Identifiers: Orphanet 140162, MedGen C0027672, MeSH D009386, MONDO:0015356.

Submission:

Ambry Genetics
Classification: Uncertain significance for Hereditary cancer-predisposing syndrome. Last evaluated: 2025-05-29. Review status: criteria provided, single submitter. Criteria: Ambry Variant Classification Scheme 2023. Collection method: clinical testing. Allele origin: germline.
Comment: The c.7314A>G variant (also known as p.T2438T), located in coding exon 49 of the ATM gene, results from an A to G substitution at nucleotide position 7314. This nucleotide substitution does not change the threonine at codon 2438. This nucleotide position is not well conserved in available vertebrate species. In silico splice site analysis predicts that this alteration may result in the creation or strengthening of a novel splice acceptor site. Based on the available evidence, the clinical significance of this variant remains unclear.

NM_000051.4(ATM):c.7314A>G (p.Thr2438=)

Genes: ATM (ATM serine/threonine kinase; plus strand), C11orf65 (chromosome 11 open reading frame 65; minus strand). Cytogenetic location: 11q22.3.
Variant type: single nucleotide variant.
Coding change: c.7314A>G on transcript NM_000051.4 (MANE Select); coding-DNA position 7314, A replaced by G.
Protein change: p.Thr2438=; no amino-acid change (threonine 2438 retained).
Molecular consequence: synonymous variant. On other transcripts: intron variant (2).
Genome position (GRCh38, 1-based): chr11:108,330,220, A>G. VCF-style: chr11-108330220-A-G. GRCh37 (hg19) VCF-style: chr11-108200947-A-G.
Other names: c.7314A>G, p.Thr2438= (NM_001351834.2); c.641-21149T>C (NM_001330368.2); c.*38+5000T>C (NM_001351110.2).
Identifiers: ClinVar variation 3965048 (VCV003965048.1).